The following is an entry in ClinVar:

NM_006767.4(LZTR1):c.697G>A (p.Val233Met)

Gene: LZTR1 (leucine zipper like post translational regulator 1; plus strand). Cytogenetic location: 22q11.21.
Variant type: single nucleotide variant.
Coding change: c.697G>A on transcript NM_006767.4 (MANE Select); coding-DNA position 697, G replaced by A.
Protein change: p.Val233Met; replaces valine 233 with methionine.
Molecular consequence: missense variant.
Genome position (GRCh38, 1-based): chr22:20,990,431, G>A. VCF-style: chr22-20990431-G-A. GRCh37 (hg19) VCF-style: chr22-21344720-G-A.
Other names: short protein forms V233M.
Identifiers: ClinVar variation 2447761 (VCV002447761.4), dbSNP rs535425465, ClinGen allele CA10118597.

ClinVar aggregate classification (germline): Uncertain significance. Review status: criteria provided, multiple submitters, no conflicts (2 of 4 stars). 2 submissions from 2 submitters: Uncertain significance (2). Last evaluated 2025-11-30.

Conditions:
Cardiovascular phenotype. Identifiers: MedGen CN230736.
Hereditary cancer-predisposing syndrome. Also called: Neoplastic Syndromes, Hereditary; Hereditary Cancer Syndrome; Tumor predisposition; Hereditary neoplastic syndrome. Identifiers: Orphanet 140162, MedGen C0027672, MeSH D009386, MONDO:0015356.

Allele frequency attached by ClinVar (database versions not stated): gnomAD exomes below 0.00001; gnomAD 0.00001; ExAC 0.00002; 1000 Genomes Project 30x 0.00016; 1000 Genomes Project 0.00020.
gnomAD v4.1: 2 of 1,614,110 alleles (0.00012%); highest among the groups gnomAD compares: African/African-American, 0.0013%; no homozygotes.

Submissions (2):

Labcorp Genetics (formerly Invitae), Labcorp
Classification: Uncertain significance. Last evaluated: 2025-11-30. Review status: criteria provided, single submitter. Criteria: Invitae Variant Classification Sherloc (09022015). Collection method: clinical testing. Allele origin: germline.
Comment: This sequence change replaces valine, which is neutral and non-polar, with methionine, which is neutral and non-polar, at codon 233 of the LZTR1 protein (p.Val233Met). This variant is present in population databases (rs535425465, gnomAD 0.007%). This variant has not been reported in the literature in individuals affected with LZTR1-related conditions. ClinVar contains an entry for this variant (Variation ID: 2447761). Invitae Evidence Modeling of protein sequence and biophysical properties (such as structural, functional, and spatial information, amino acid conservation, physicochemical variation, residue mobility, and thermodynamic stability) indicates that this missense variant is not expected to disrupt LZTR1 protein function with a negative predictive value of 80%. In summary, the available evidence is currently insufficient to determine the role of this variant in disease. Therefore, it has been classified as a Variant of Uncertain Significance.

Ambry Genetics
Classification: Uncertain significance for Cardiovascular phenotype; Hereditary cancer-predisposing syndrome. Last evaluated: 2023-02-24. Review status: criteria provided, single submitter. Criteria: Ambry Variant Classification Scheme 2023. Collection method: clinical testing. Allele origin: germline.
Comment: The p.V233M variant (also known as c.697G>A), located in coding exon 8 of the LZTR1 gene, results from a G to A substitution at nucleotide position 697. The valine at codon 233 is replaced by methionine, an amino acid with highly similar properties. This amino acid position is conserved. In addition, this alteration is predicted to be tolerated by in silico analysis. Since supporting evidence is limited at this time, the clinical significance of this alteration remains unclear.